The following is an entry in ClinVar:

ClinVar aggregate classification (germline): Uncertain significance. Review status: criteria provided, multiple submitters, no conflicts (2 of 4 stars). 2 submissions from 2 submitters: Uncertain significance (2). Last evaluated 2025-03-18.

Conditions:
Inborn genetic diseases. Identifiers: MedGen C0950123, MeSH D030342.

Allele frequency attached by ClinVar (database versions not stated): TOPMed 0.00001; ExAC 0.00002; gnomAD exomes 0.00004; 1000 Genomes Project 30x 0.00016; 1000 Genomes Project 0.00020.

Submissions (2):

Ambry Genetics
Classification: Uncertain significance for Inborn genetic diseases. Last evaluated: 2025-03-18. Review status: criteria provided, single submitter. Criteria: Ambry Variant Classification Scheme 2023. Collection method: clinical testing. Allele origin: germline.

Labcorp Genetics (formerly Invitae), Labcorp
Classification: Uncertain significance. Last evaluated: 2023-06-10. Review status: criteria provided, single submitter. Criteria: Invitae Variant Classification Sherloc (09022015). Collection method: clinical testing. Allele origin: germline.
Comment: In summary, the available evidence is currently insufficient to determine the role of this variant in disease. Therefore, it has been classified as a Variant of Uncertain Significance. Advanced modeling of protein sequence and biophysical properties (such as structural, functional, and spatial information, amino acid conservation, physicochemical variation, residue mobility, and thermodynamic stability) performed at Invitae indicates that this missense variant is not expected to disrupt ELOVL5 protein function. This variant has not been reported in the literature in individuals affected with ELOVL5-related conditions. This variant is present in population databases (rs537419614, gnomAD 0.01%). This sequence change replaces arginine, which is basic and polar, with glutamine, which is neutral and polar, at codon 62 of the ELOVL5 protein (p.Arg62Gln).

NM_021814.5(ELOVL5):c.185G>A (p.Arg62Gln)

Gene: ELOVL5 (ELOVL fatty acid elongase 5; minus strand). Cytogenetic location: 6p12.1.
Variant type: single nucleotide variant.
Coding change: c.185G>A on transcript NM_021814.5 (MANE Select); coding-DNA position 185, G replaced by A.
Protein change: p.Arg62Gln; replaces arginine 62 with glutamine.
Molecular consequence: missense variant.
Genome position (GRCh38, 1-based): chr6:53,291,837, C>T on the plus strand (G>A on the coding strand, the complement: ELOVL5 is on the minus strand). VCF-style: chr6-53291837-C-T. GRCh37 (hg19) VCF-style: chr6-53156635-C-T.
Other names: c.185G>A, p.Arg62Gln (NM_001242828.2, NM_001242830.2, NM_001301856.2); c.185G>A (NM_001242828.1); short protein forms R62Q.
Identifiers: ClinVar variation 3016908 (VCV003016908.4), dbSNP rs537419614, ClinGen allele CA3859810.